The following is an entry in ClinVar:

NM_001035.3(RYR2):c.2843G>C (p.Cys948Ser)

Gene: RYR2 (ryanodine receptor 2; plus strand). Cytogenetic location: 1q43.
Variant type: single nucleotide variant.
Coding change: c.2843G>C on transcript NM_001035.3 (MANE Select); coding-DNA position 2843, G replaced by C.
Protein change: p.Cys948Ser; replaces cysteine 948 with serine.
Molecular consequence: missense variant.
Genome position (GRCh38, 1-based): chr1:237,530,447, G>C. VCF-style: chr1-237530447-G-C. GRCh37 (hg19) VCF-style: chr1-237693747-G-C.
Other names: short protein forms C948S.
Identifiers: ClinVar variation 956037 (VCV000956037.11), dbSNP rs1260308629, ClinGen allele CA345387941.

ClinVar aggregate classification (germline): Uncertain significance. Review status: criteria provided, multiple submitters, no conflicts (2 of 4 stars). 2 submissions from 2 submitters: Uncertain significance (2). Last evaluated 2024-02-06.

Conditions:
Catecholaminergic polymorphic ventricular tachycardia 1. Also called: VENTRICULAR TACHYCARDIA, STRESS-INDUCED POLYMORPHIC 1; RYR2-Related Catecholaminergic Polymorphic Ventricular Tachycardia; VENTRICULAR TACHYCARDIA, CATECHOLAMINERGIC POLYMORPHIC, 1, WITH OR WITHOUT ATRIAL DYSFUNCTION AND/OR DILATED CARDIOMYOPATHY. Identifiers: Orphanet 3286, MedGen C1631597, MONDO:0011484, OMIM 604772.
Cardiomyopathy (CMYO). Also called: Cardiomyopathies. Identifiers: Orphanet 167848, MedGen C0878544, MONDO:0004994, HP:0001638. Inheritance: Various modes of inheritance.

Allele frequency attached by ClinVar (database versions not stated): TOPMed below 0.00001.
gnomAD v4.1: 1 of 1,608,562 alleles (0.000062%); highest among the groups gnomAD compares: Non-Finnish European, 0.000085%; no homozygotes.

Submissions (2):

Color Diagnostics, LLC DBA Color Health
Classification: Uncertain significance for Cardiomyopathy. Last evaluated: 2024-02-06. Review status: criteria provided, single submitter. Criteria: ACMG Guidelines, 2015. Collection method: clinical testing. Allele origin: germline.
Comment: This missense variant replaces cysteine with serine at codon 948 of the RYR2 protein. Computational prediction suggests that this variant may have deleterious impact on protein structure and function. To our knowledge, functional studies have not been reported for this variant. This variant has not been reported in individuals affected with RYR2-related disorders in the literature. This variant has not been identified in the general population by the Genome Aggregation Database (gnomAD). The available evidence is insufficient to determine the role of this variant in disease conclusively. Therefore, this variant is classified as a Variant of Uncertain Significance.

Labcorp Genetics (formerly Invitae), Labcorp
Classification: Uncertain significance for Catecholaminergic polymorphic ventricular tachycardia 1. Last evaluated: 2023-06-16. Review status: criteria provided, single submitter. Criteria: Invitae Variant Classification Sherloc (09022015). Collection method: clinical testing. Allele origin: germline.
Comment: In summary, the available evidence is currently insufficient to determine the role of this variant in disease. Therefore, it has been classified as a Variant of Uncertain Significance. Advanced modeling of protein sequence and biophysical properties (such as structural, functional, and spatial information, amino acid conservation, physicochemical variation, residue mobility, and thermodynamic stability) performed at Invitae indicates that this missense variant is not expected to disrupt RYR2 protein function. This sequence change replaces cysteine, which is neutral and slightly polar, with serine, which is neutral and polar, at codon 948 of the RYR2 protein (p.Cys948Ser). This variant is not present in population databases (gnomAD no frequency). This variant has not been reported in the literature in individuals affected with RYR2-related conditions. ClinVar contains an entry for this variant (Variation ID: 956037).